The following is an entry in ClinVar:

ClinVar aggregate classification (germline): Uncertain significance. Review status: criteria provided, multiple submitters, no conflicts (2 of 4 stars). 3 submissions from 3 submitters: Uncertain significance (2). 1 of the submissions does not count toward it. Last evaluated 2023-08-24.

Conditions:
Primary ciliary dyskinesia. Also called: Ciliary dyskinesia. Identifiers: Orphanet 244, MedGen C0008780, MONDO:0016575, HP:0012265.
Kartagener syndrome (CILD1). Also called: CILIARY DYSKINESIA, PRIMARY, 1; CILIARY DYSKINESIA, PRIMARY, 1, WITH OR WITHOUT SITUS INVERSUS; IMMOTILE CILIA SYNDROME; POLYNESIAN BRONCHIECTASIS; Dextrocardia bronchiectasis and sinusitis; SIEWERT SYNDROME. Identifiers: Orphanet 244, MedGen C4551906, MONDO:0009484, OMIM 244400.

Allele frequency attached by ClinVar (database versions not stated): ExAC 0.00001; gnomAD 0.00001; TOPMed 0.00001.

Submissions (3):

Laboratorio de Genetica e Diagnostico Molecular, Hospital Israelita Albert Einstein
Classification: Uncertain significance for Kartagener syndrome. Last evaluated: 2023-08-24. Review status: criteria provided, single submitter. Criteria: ACMG Guidelines, 2015. Collection method: clinical testing. Allele origin: germline. Affected: yes.
Comment: ACMG classification criteria: PM2 moderate, PP3 supporting

Labcorp Genetics (formerly Invitae), Labcorp
Classification: Uncertain significance for Primary ciliary dyskinesia. Last evaluated: 2022-09-17. Review status: criteria provided, single submitter. Criteria: Invitae Variant Classification Sherloc (09022015). Collection method: clinical testing. Allele origin: germline.
Comment: In summary, the available evidence is currently insufficient to determine the role of this variant in disease. Therefore, it has been classified as a Variant of Uncertain Significance. Variants that disrupt the consensus splice site are a relatively common cause of aberrant splicing (PMID: 17576681, 9536098). Algorithms developed to predict the effect of sequence changes on RNA splicing suggest that this variant may disrupt the consensus splice site. This variant has not been reported in the literature in individuals affected with DNAI1-related conditions. This variant is present in population databases (rs767202701, gnomAD 0.007%). This sequence change affects codon 167 of the DNAI1 mRNA. It is a 'silent' change, meaning that it does not change the encoded amino acid sequence of the DNAI1 protein. This variant also falls at the last nucleotide of exon 6, which is part of the consensus splice site for this exon.

Natera, Inc.
Classification: Uncertain significance for Primary ciliary dyskinesia. Last evaluated: 2025-05-08. Review status: no assertion criteria provided. Collection method: clinical testing. Allele origin: germline. Not counted in ClinVar's aggregate classification.

Literature cited by the submitters: PubMed 17576681 (cited by Labcorp Genetics (formerly Invitae), Labcorp); PubMed 9536098 (cited by Labcorp Genetics (formerly Invitae), Labcorp).

NM_012144.4(DNAI1):c.501G>T (p.Gly167=)

Gene: DNAI1 (dynein axonemal intermediate chain 1; plus strand). Cytogenetic location: 9p13.3.
Variant type: single nucleotide variant.
Coding change: c.501G>T on transcript NM_012144.4 (MANE Select); coding-DNA position 501, G replaced by T.
Protein change: p.Gly167=; no amino-acid change (glycine 167 retained).
Molecular consequence: synonymous variant.
Genome position (GRCh38, 1-based): chr9:34,490,124, G>T. VCF-style: chr9-34490124-G-T. GRCh37 (hg19) VCF-style: chr9-34490122-G-T.
Other names: c.501G>T (NM_012144.3); c.513G>T, p.Gly171= (NM_001281428.2).
Identifiers: ClinVar variation 2077049 (VCV002077049.6), dbSNP rs767202701, ClinGen allele CA5034065.